The following is an entry in ClinVar:

ClinVar aggregate classification (germline): Conflicting classifications of pathogenicity. Review status: criteria provided, conflicting classifications (1 of 4 stars). 2 submissions from 2 submitters: Uncertain significance (1); Likely benign (1). Last evaluated 2024-07-30.

Conditions:
Fanconi anemia (FA). Also called: Fanconi's anemia. Identifiers: Orphanet 84, MedGen C0015625, MeSH D005199, MONDO:0019391.

Submissions (2):

Quest Diagnostics Nichols Institute San Juan Capistrano
Classification: Uncertain significance. Last evaluated: 2024-07-30. Review status: criteria provided, single submitter. Criteria: Quest Diagnostics criteria. Collection method: clinical testing. Allele origin: unknown.
Comment: The FANCA c.523-5_523-4dup variant has not been reported in individuals with FANCA-related conditions in the published literature. It also has not been reported in large, multi-ethnic general populations (Genome Aggregation Database). Analysis of this variant using software algorithms for the prediction of the effect of nucleotide changes on splicing yielded predictions that this variant does not affect FANCA mRNA splicing. Based on the available information, we are unable to determine the clinical significance of this variant.

Labcorp Genetics (formerly Invitae), Labcorp
Classification: Likely benign for Fanconi anemia. Last evaluated: 2024-06-03. Review status: criteria provided, single submitter. Criteria: Invitae Variant Classification Sherloc (09022015). Collection method: clinical testing. Allele origin: germline.

NM_000135.4(FANCA):c.523-5_523-4dup

Gene: FANCA (FA complementation group A; minus strand). Cytogenetic location: 16q24.3.
Variant type: Duplication.
Coding change: c.523-5_523-4dup on transcript NM_000135.4 (MANE Select); 5 bases into the intron before coding-DNA position 523 through 4 bases into the intron before coding-DNA position 523, 2 bases duplicated (TT; older notation c.523-5_523-4dupTT).
Molecular consequence: intron variant.
Genome position (GRCh38, 1-based): chr16:89,808,371-89,808,372, AA duplicated on the plus strand (TT on the coding strand, the reverse complement: FANCA is on the minus strand); duplicating any 2 consecutive bases within chr16:89,808,371-89,808,375 gives the same sequence; the c. name uses the placement nearest the transcript's 3' end. VCF-style (leftmost placement, unchanged base first): chr16-89808370-G-GAA. GRCh37 (hg19) VCF-style: chr16-89874778-G-GAA.
Other names: c.523-5_523-4dup (NM_000135.3, NM_001286167.3, NM_001018112.3); c.427-5_427-4dup (NM_001351830.2).
Identifiers: ClinVar variation 1667134 (VCV001667134.9), dbSNP rs2143657729, ClinGen allele CA2558365108.